The following is an entry in ClinVar:

ClinVar aggregate classification (germline): Uncertain significance (1 of 4 stars; one submission).

Conditions:
Kabuki syndrome. Also called: Kabuki make-up syndrome; NIIKAWA-KUROKI SYNDROME. Identifiers: Orphanet 2322, MedGen C0796004, MONDO:0016512.

Submission:

Labcorp Genetics (formerly Invitae), Labcorp
Classification: Uncertain significance for Kabuki syndrome. Last evaluated: 2022-08-09. Review status: criteria provided, single submitter. Criteria: Invitae Variant Classification Sherloc (09022015). Collection method: clinical testing. Allele origin: germline.
Comment: In summary, the available evidence is currently insufficient to determine the role of this variant in disease. Therefore, it has been classified as a Variant of Uncertain Significance. Advanced modeling of protein sequence and biophysical properties (such as structural, functional, and spatial information, amino acid conservation, physicochemical variation, residue mobility, and thermodynamic stability) performed at Invitae indicates that this missense variant is not expected to disrupt KMT2D protein function. This variant has not been reported in the literature in individuals affected with KMT2D-related conditions. This variant is not present in population databases (gnomAD no frequency). This sequence change replaces leucine, which is neutral and non-polar, with valine, which is neutral and non-polar, at codon 3852 of the KMT2D protein (p.Leu3852Val).

NM_003482.4(KMT2D):c.11554C>G (p.Leu3852Val)

Gene: KMT2D (lysine methyltransferase 2D; minus strand). Cytogenetic location: 12q13.12.
Variant type: single nucleotide variant.
Coding change: c.11554C>G on transcript NM_003482.4 (MANE Select); coding-DNA position 11554, C replaced by G.
Protein change: p.Leu3852Val; replaces leucine 3852 with valine.
Molecular consequence: missense variant.
Genome position (GRCh38, 1-based): chr12:49,033,151, G>C on the plus strand (C>G on the coding strand, the complement: KMT2D is on the minus strand). VCF-style: chr12-49033151-G-C. GRCh37 (hg19) VCF-style: chr12-49426934-G-C.
Other names: short protein forms L3852V.
Identifiers: ClinVar variation 1714265 (VCV001714265.5), dbSNP rs2120439846, ClinGen allele CA384717707.
Genomic context (GRCh38, chr12:49,033,151, plus strand): 5'-CTGCCATGGACCCTTGCTGTTGGTGCTGTTGTTGCTGCTGCTGCTGCTGGGCTGTGACCA[G>C]CCTGTGTCCCATAAGGCCCTGACCCTGCTGTGCCAGCTGGGGGGAACTGAGCACCCGGGA-3'
Protein context (NP_003473.3, residues 3842-3862): QQGQGLMGHR[Leu3852Val]VTAQQQQQQQ